The following is an entry in ClinVar:

NM_000059.4(BRCA2):c.3657T>C (p.Phe1219=)

Gene: BRCA2 (BRCA2 DNA repair associated; plus strand). Cytogenetic location: 13q13.1.
Variant type: single nucleotide variant.
Coding change: c.3657T>C on transcript NM_000059.4 (MANE Select); coding-DNA position 3657, T replaced by C.
Protein change: p.Phe1219=; no amino-acid change (phenylalanine 1219 retained).
Molecular consequence: synonymous variant.
Genome position (GRCh38, 1-based): chr13:32,338,012, T>C. VCF-style: chr13-32338012-T-C. GRCh37 (hg19) VCF-style: chr13-32912149-T-C.
Identifiers: ClinVar variation 230975 (VCV000230975.18), dbSNP rs876658879, ClinGen allele CA10579584.

ClinVar aggregate classification (germline): Likely benign. Review status: reviewed by expert panel (3 of 4 stars). 4 submissions from 4 submitters: Likely benign (1). 3 of the submissions do not count toward it. Last evaluated 2017-06-29.

Conditions:
Breast-ovarian cancer, familial, susceptibility to, 2 (BROVCA2). Also called: BRCA2 Hereditary Breast and Ovarian Cancer. Identifiers: Orphanet 145, MedGen C2675520, MONDO:0012933, OMIM 612555. Disease mechanism: loss of function.
Hereditary cancer-predisposing syndrome. Also called: Hereditary Cancer Syndrome; Neoplastic Syndromes, Hereditary; Tumor predisposition; Hereditary neoplastic syndrome. Identifiers: Orphanet 140162, MedGen C0027672, MeSH D009386, MONDO:0015356.
Hereditary breast ovarian cancer syndrome. Also called: Hereditary breast and/or ovarian cancer syndrome; BRCA1- and BRCA2-Associated Hereditary Breast and Ovarian Cancer; Hereditary breast and ovarian cancer syndrome (HBOC); Hereditary breast and ovarian cancer; Hereditary breast and ovarian cancer syndrome; Breast and ovarian cancer. Identifiers: Orphanet 145, MedGen C0677776, MeSH D061325, MONDO:0003582. Disease mechanism: loss of function.

Allele frequency attached by ClinVar (database versions not stated): gnomAD exomes below 0.00001.
gnomAD v4.1: 1 of 1,612,984 alleles (0.000062%); highest among the groups gnomAD compares: Admixed American, 0.0017%; no homozygotes.

Submissions (4):

Evidence-based Network for the Interpretation of Germline Mutant Alleles (ENIGMA)
Classification: Likely benign for Breast-ovarian cancer, familial, susceptibility to, 2. Last evaluated: 2017-06-29. Review status: reviewed by expert panel. Criteria: ENIGMA BRCA1/2 Classification Criteria (2017-06-29). Collection method: curation. Allele origin: germline.
Comment: Synonymous substitution variant, with low bioinformatic likelihood to result in a splicing aberration (Splicing prior probability 0.02).

Labcorp Genetics (formerly Invitae), Labcorp
Classification: Likely benign for Hereditary breast ovarian cancer syndrome. Last evaluated: 2023-12-08. Review status: criteria provided, single submitter. Criteria: Invitae Variant Classification Sherloc (09022015). Collection method: clinical testing. Allele origin: germline. Not counted in ClinVar's aggregate classification.

Color Diagnostics, LLC DBA Color Health
Classification: Likely benign for Hereditary cancer-predisposing syndrome. Last evaluated: 2018-10-19. Review status: criteria provided, single submitter. Criteria: ACMG Guidelines, 2015. Collection method: clinical testing. Allele origin: germline. Not counted in ClinVar's aggregate classification.

Ambry Genetics
Classification: Likely benign for Hereditary cancer-predisposing syndrome. Last evaluated: 2015-03-18. Review status: criteria provided, single submitter. Criteria: Ambry Variant Classification Scheme 2023. Collection method: clinical testing. Allele origin: germline. Not counted in ClinVar's aggregate classification.